The following is an entry in ClinVar:

ClinVar aggregate classification (germline): Benign. Review status: reviewed by expert panel (3 of 4 stars). 4 submissions from 4 submitters: Benign (1). 3 of the submissions do not count toward it. Last evaluated 2023-03-17.

Conditions:
CDKL5 disorder. Identifiers: MedGen CN296942, MONDO:0100039.
Developmental and epileptic encephalopathy, 2 (DEE2). Also called: INFANTILE SPASM SYNDROME, X-LINKED 2; CDKL5 deficiency disorder. Identifiers: Orphanet 1934, Orphanet 3451, Orphanet 505652, MedGen C4750718, MONDO:0010396, OMIM 300672.
Angelman syndrome-like. Identifiers: MedGen CN128785.

Allele frequency attached by ClinVar (database versions not stated): gnomAD exomes 0.00003 and 0.00004; gnomAD 0.00004; TOPMed 0.00004; ExAC 0.00007; ESP Exome Variant Server 0.00009.
gnomAD v4.1: 33 of 1,210,255 alleles (0.0027%); highest among the groups gnomAD compares: Admixed American, 0.013%; no homozygotes.

Submissions (4):

ClinGen Rett and Angelman-like Disorders Variant Curation Expert Panel
Classification: Benign for CDKL5 disorder. Last evaluated: 2023-03-17. Review status: reviewed by expert panel. Criteria: ClinGen RettAS ACMG Specifications V2. Collection method: curation. Allele origin: germline. Inheritance: X-linked inheritance.
Comment: The allele frequency of the p.Glu590Lys variant in CDKL5 is 0.015% in Latino sub population in gnomAD, which is high enough to be classified as likely benign based on thresholds defined by the ClinGen Rett/Angelman-like Expert Panel for Rett/AS-like conditions (BS1). Additionally, the p.Glu590Lys variant is observed in at least 14 unaffected individuals (internal database - GeneDx) (BS2) and at least 4 patients with an alternate molecular basis of disease (internal database - Invitae, internal database - GeneDx) (BP5_strong). In summary, the p.Glu590Lys variant in CDKL5 is classified as Benign for CDKL5-associated disorder based on the ACMG/AMP criteria (BS1, BS2, BP5_Strong).

Labcorp Genetics (formerly Invitae), Labcorp
Classification: Likely benign for Developmental and epileptic encephalopathy, 2; Angelman syndrome-like. Last evaluated: 2025-08-20. Review status: criteria provided, single submitter. Criteria: Invitae Variant Classification Sherloc (09022015). Collection method: clinical testing. Allele origin: germline. Not counted in ClinVar's aggregate classification.

ARUP Laboratories, Molecular Genetics and Genomics, ARUP Laboratories
Classification: Likely benign for Developmental and epileptic encephalopathy, 2. Last evaluated: 2024-11-14. Review status: criteria provided, single submitter. Criteria: ARUP Molecular Germline Variant Investigation Process 2024. Collection method: clinical testing. Allele origin: germline. Not counted in ClinVar's aggregate classification.

GeneDx
Classification: Likely benign. Last evaluated: 2021-02-25. Review status: criteria provided, single submitter. Criteria: GeneDx Variant Classification Process June 2021. Collection method: clinical testing. Allele origin: germline. Affected: yes. Not counted in ClinVar's aggregate classification.

NM_001323289.2(CDKL5):c.1768G>A (p.Glu590Lys)

Gene: CDKL5 (cyclin dependent kinase like 5; plus strand). Cytogenetic location: Xp22.13.
Variant type: single nucleotide variant.
Coding change: c.1768G>A on transcript NM_001323289.2 (MANE Select); coding-DNA position 1768, G replaced by A.
Protein change: p.Glu590Lys; replaces glutamic acid 590 with lysine.
Molecular consequence: missense variant.
Genome position (GRCh38, 1-based): chrX:18,604,692, G>A. VCF-style: chrX-18604692-G-A. GRCh37 (hg19) VCF-style: chrX-18622812-G-A.
Other names: NM_001323289.2(CDKL5):c.1768G>A; p.Glu590Lys; c.1768G>A, p.Glu590Lys (NM_001037343.2, NM_003159.3); short protein forms E590K.
Identifiers: ClinVar variation 680382 (VCV000680382.14), dbSNP rs372629988, ClinGen allele CA10360416.
Genomic context (GRCh38, chrX:18,604,692, plus strand): 5'-GAATTGAAGCTGCCGGAGCACATGGACAGTAGCCATTCCCATTCACTGTCTGCACCTCAC[G>A]AATCTTTTTCTTATGGACTGGGCTACACCAGCCCCTTTTCTTCCCAGCAACGTCCTCATA-3'
Protein context (NP_001310218.1, residues 580-600): SHSHSLSAPH[Glu590Lys]SFSYGLGYTS